The following is an entry in ClinVar:

ClinVar aggregate classification (germline): Uncertain significance. Review status: criteria provided, multiple submitters, no conflicts (2 of 4 stars). 2 submissions from 2 submitters: Uncertain significance (2). Last evaluated 2026-04-04.

Conditions:
Retinitis pigmentosa 51 (RP51). Identifiers: Orphanet 791, MedGen C3150715, MONDO:0013274, OMIM 613464.
Bardet-Biedl syndrome 8 (BBS8). Identifiers: Orphanet 110, MedGen C1859566, MONDO:0014436, OMIM 615985.
TTC8-related disorder. Also called: TTC8-related condition.

Allele frequency attached by ClinVar (database versions not stated): gnomAD exomes below 0.00001; gnomAD 0.00001; TOPMed 0.00001.

Submissions (2):

PreventionGenetics, part of Exact Sciences
Classification: Uncertain significance for TTC8-related condition. Last evaluated: 2026-04-04. Review status: criteria provided, single submitter. Criteria: ACMG Guidelines, 2015. Collection method: clinical testing. Allele origin: germline.
Comment: The TTC8 c.94G>A variant is predicted to result in the amino acid substitution p.Glu32Lys. To our knowledge, this variant has not been reported in the literature. This variant is reported in 0.0029% of alleles in individuals of Latino descent in gnomAD. At this time, the clinical significance of this variant is uncertain due to the absence of conclusive functional and genetic evidence.

Fulgent Genetics
Classification: Uncertain significance for Retinitis pigmentosa 51; Bardet-Biedl syndrome 8. Last evaluated: 2024-05-11. Review status: criteria provided, single submitter. Criteria: ACMG Guidelines, 2015. Collection method: clinical testing. Allele origin: germline.

NM_144596.4(TTC8):c.94G>A (p.Glu32Lys)

Gene: TTC8 (tetratricopeptide repeat domain 8; plus strand). Cytogenetic location: 14q31.3.
Variant type: single nucleotide variant.
Coding change: c.94G>A on transcript NM_144596.4 (MANE Select); coding-DNA position 94, G replaced by A.
Protein change: p.Glu32Lys; replaces glutamic acid 32 with lysine.
Molecular consequence: missense variant. On other transcripts: 5 prime UTR variant (2), non-coding transcript variant (1).
Genome position (GRCh38, 1-based): chr14:88,824,801, G>A. VCF-style: chr14-88824801-G-A. GRCh37 (hg19) VCF-style: chr14-89291145-G-A.
Other names: c.94G>A, p.Glu32Lys (NM_001288781.1, NM_001366535.2, NM_001366536.2 and 2 more transcripts); c.-469G>A (NM_001288782.1); c.-564G>A (NM_001288783.1); short protein forms E32K.
Identifiers: ClinVar variation 3029970 (VCV003029970.4), dbSNP rs993279874, ClinGen allele CA390567925.